The following is an entry in ClinVar:

ClinVar aggregate classification (germline): Conflicting classifications of pathogenicity. Review status: criteria provided, conflicting classifications (1 of 4 stars). 6 submissions from 6 submitters: Uncertain significance (4); Likely benign (2). Last evaluated 2026-01-17.

Conditions:
Autosomal recessive limb-girdle muscular dystrophy type 2Q (LGMDR17). Also called: MUSCULAR DYSTROPHY, LIMB-GIRDLE, AUTOSOMAL RECESSIVE 17. Identifiers: Orphanet 254361, MedGen C3150989, MONDO:0013390, OMIM 613723.
Epidermolysis bullosa simplex 5B, with muscular dystrophy (EBS5B). Also called: EPIDERMOLYSIS BULLOSA SIMPLEX AND LIMB-GIRDLE MUSCULAR DYSTROPHY; Epidermolysis bullosa simplex with muscular dystrophy. Identifiers: Orphanet 257, MedGen C2931072, MONDO:0009181, OMIM 226670.
Epidermolysis bullosa simplex, Ogna type (EBS5A). Also called: EPIDERMOLYSIS BULLOSA SIMPLEX 5A, OGNA TYPE; Pidermolysis bullosa simplex 5A, Ogna type. Identifiers: Orphanet 79401, MedGen C0432317, MONDO:0007555, OMIM 131950.
Epidermolysis bullosa simplex 5C, with pyloric atresia (EBS5C). Also called: PLEC-Related Epidermolysis Bullosa with Pyloric Atresia; Epidermolysis bullosa simplex with pyloric atresia; PLEC1-Related Epidermolysis Bullosa with Pyloric Atresia. Identifiers: Orphanet 158684, MedGen C2677349, MONDO:0012807, OMIM 612138.
Epidermolysis bullosa simplex with nail dystrophy (EBS5D). Identifiers: MedGen C4225309, MONDO:0014661, OMIM 616487.
Inborn genetic diseases. Identifiers: MedGen C0950123, MeSH D030342.

Allele frequency attached by ClinVar (database versions not stated): ExAC 0.00009; gnomAD exomes 0.00009 and 0.00014; gnomAD 0.00014; 1000 Genomes Project 30x 0.00016; 1000 Genomes Project 0.00020; TOPMed 0.00020; ESP Exome Variant Server 0.00024.
gnomAD v4.1: 229 of 1,607,564 alleles (0.014%); highest among the groups gnomAD compares: Admixed American, 0.02%; no homozygotes.

Submissions (6):

Labcorp Genetics (formerly Invitae), Labcorp
Classification: Uncertain significance for Autosomal recessive limb-girdle muscular dystrophy type 2Q; Epidermolysis bullosa simplex, Ogna type; Epidermolysis bullosa simplex with nail dystrophy; Epidermolysis bullosa simplex 5C, with pyloric atresia; Epidermolysis bullosa simplex 5B, with muscular dystrophy. Last evaluated: 2026-01-17. Review status: criteria provided, single submitter. Criteria: Invitae Variant Classification Sherloc (09022015). Collection method: clinical testing. Allele origin: germline.
Comment: This sequence change replaces alanine, which is neutral and non-polar, with glycine, which is neutral and non-polar, at codon 4251 of the PLEC protein (p.Ala4251Gly). The frequency data for this variant in the population databases is considered unreliable, as metrics indicate poor data quality at this position in the gnomAD database. This variant has not been reported in the literature in individuals affected with PLEC-related conditions. ClinVar contains an entry for this variant (Variation ID: 196847). Invitae Evidence Modeling of protein sequence and biophysical properties (such as structural, functional, and spatial information, amino acid conservation, physicochemical variation, residue mobility, and thermodynamic stability) indicates that this missense variant is not expected to disrupt PLEC protein function with a negative predictive value of 80%. In summary, the available evidence is currently insufficient to determine the role of this variant in disease. Therefore, it has been classified as a Variant of Uncertain Significance.

Ambry Genetics
Classification: Uncertain significance for Inborn genetic diseases. Last evaluated: 2025-11-08. Review status: criteria provided, single submitter. Criteria: Ambry Variant Classification Scheme 2023. Collection method: clinical testing. Allele origin: germline.

Revvity Omics, Revvity
Classification: Uncertain significance. Last evaluated: 2023-05-24. Review status: criteria provided, single submitter. Criteria: ACMG Guidelines, 2015. Collection method: clinical testing. Allele origin: germline.

GeneDx
Classification: Likely benign. Last evaluated: 2021-05-24. Review status: criteria provided, single submitter. Criteria: GeneDx Variant Classification Process June 2021. Collection method: clinical testing. Allele origin: germline. Affected: yes.

Center for Pediatric Genomic Medicine, Children's Mercy Hospital and Clinics
Classification: Likely benign. Last evaluated: 2015-05-29. Review status: criteria provided, single submitter. Criteria: ACMG Guidelines, 2015. Collection method: clinical testing. Allele origin: germline.
ClinVar note: Converted during submission from Likely Benign to Likely benign.

Eurofins Ntd Llc (ga)
Classification: Uncertain significance. Last evaluated: 2014-11-14. Review status: criteria provided, single submitter. Criteria: EGL Classification Definitions 2015. Collection method: clinical testing. Allele origin: germline. Observed: 1 variant allele, 1 heterozygote.

NM_201384.3(PLEC):c.12671C>G (p.Ala4224Gly)

Gene: PLEC (plectin; minus strand). Cytogenetic location: 8q24.3.
Variant type: single nucleotide variant.
Coding change: c.12671C>G on transcript NM_201384.3 (MANE Select); coding-DNA position 12671, C replaced by G.
Protein change: p.Ala4224Gly; replaces alanine 4224 with glycine.
Molecular consequence: missense variant.
Genome position (GRCh38, 1-based): chr8:143,917,150, G>C on the plus strand (C>G on the coding strand, the complement: PLEC is on the minus strand). VCF-style: chr8-143917150-G-C. GRCh37 (hg19) VCF-style: chr8-144991318-G-C.
Other names: c.12752C>G, p.Ala4251Gly (NM_000445.5); c.12629C>G, p.Ala4210Gly (NM_201378.4); c.12605C>G, p.Ala4202Gly (NM_201379.3); c.13082C>G, p.Ala4361Gly (NM_201380.4); c.12575C>G, p.Ala4192Gly (NM_201381.3); c.12671C>G, p.Ala4224Gly (NM_201382.4); c.12683C>G, p.Ala4228Gly (NM_201383.3); short protein forms A4192G, A4202G, A4210G, A4224G, A4228G, A4251G, A4361G.
Identifiers: ClinVar variation 196847 (VCV000196847.21), dbSNP rs368212208, ClinGen allele CA244523.